The following is an entry in ClinVar:

ClinVar aggregate classification (germline): Uncertain significance (1 of 4 stars; one submission).

Conditions:
3-Methylglutaconic aciduria type 2 (BTHS). Also called: Barth syndrome; CARDIOSKELETAL MYOPATHY WITH NEUTROPENIA AND ABNORMAL MITOCHONDRIA. Identifiers: Orphanet 111, MedGen C0574083, MONDO:0010543, OMIM 302060.

Submission:

Labcorp Genetics (formerly Invitae), Labcorp
Classification: Uncertain significance for 3-Methylglutaconic aciduria type 2. Last evaluated: 2022-03-18. Review status: criteria provided, single submitter. Criteria: Invitae Variant Classification Sherloc (09022015). Collection method: clinical testing. Allele origin: germline.
Comment: This sequence change replaces aspartic acid, which is acidic and polar, with valine, which is neutral and non-polar, at codon 139 of the TAZ protein (p.Asp139Val). This variant is not present in population databases (gnomAD no frequency). This variant has not been reported in the literature in individuals affected with TAZ-related conditions. ClinVar contains an entry for this variant (Variation ID: 647186). Algorithms developed to predict the effect of missense changes on protein structure and function are either unavailable or do not agree on the potential impact of this missense change (SIFT: "Not Available"; PolyPhen-2: "Benign"; Align-GVGD: "Not Available"). In summary, the available evidence is currently insufficient to determine the role of this variant in disease. Therefore, it has been classified as a Variant of Uncertain Significance.

NM_000116.5(TAFAZZIN):c.416A>T (p.Asp139Val)

Gene: TAFAZZIN (tafazzin, phospholipid-lysophospholipid transacylase; plus strand). Cytogenetic location: Xq28.
Variant type: single nucleotide variant.
Coding change: c.416A>T on transcript NM_000116.5 (MANE Select); coding-DNA position 416, A replaced by T.
Protein change: p.Asp139Val; replaces aspartic acid 139 with valine.
Molecular consequence: missense variant. On other transcripts: intron variant (2).
Genome position (GRCh38, 1-based): chrX:154,414,146, A>T. VCF-style: chrX-154414146-A-T. GRCh37 (hg19) VCF-style: chrX-153642483-A-T.
Other names: c.470A>T, p.Asp157Val (NM_001303465.2); c.416A>T, p.Asp139Val (NM_181312.4); c.370+579A>T (NM_181311.4, NM_181313.4); short protein forms D139V, D157V.
Identifiers: ClinVar variation 647186 (VCV000647186.5), dbSNP rs1603378339, ClinGen allele CA415182539.